The following is an entry in ClinVar:

ClinVar aggregate classification (germline): Conflicting classifications of pathogenicity. Review status: criteria provided, conflicting classifications (1 of 4 stars). 2 submissions from 2 submitters: Likely pathogenic (1); Uncertain significance (1). Last evaluated 2025-08-04.

Conditions:
Hereditary breast ovarian cancer syndrome. Also called: Hereditary breast and ovarian cancer syndrome; Breast and ovarian cancer; Hereditary breast and/or ovarian cancer syndrome; Hereditary breast and ovarian cancer; Hereditary breast and ovarian cancer syndrome (HBOC); BRCA1- and BRCA2-Associated Hereditary Breast and Ovarian Cancer. Identifiers: Orphanet 145, MedGen C0677776, MeSH D061325, MONDO:0003582. Disease mechanism: loss of function.
Breast-ovarian cancer, familial, susceptibility to, 2 (BROVCA2). Also called: BRCA2 Hereditary Breast and Ovarian Cancer. Identifiers: Orphanet 145, MedGen C2675520, MONDO:0012933, OMIM 612555. Disease mechanism: loss of function.

gnomAD v4.1: 1 of 1,612,860 alleles (0.000062%); highest among the groups gnomAD compares: East Asian, 0.0022%; no homozygotes.

Submissions (2):

Myriad Genetics, Inc.
Classification: Likely pathogenic for Breast-ovarian cancer, familial, susceptibility to, 2. Last evaluated: 2025-08-04. Review status: criteria provided, single submitter. Criteria: Myriad Autosomal Dominant, Autosomal Recessive and X-Linked Classification Criteria (2023). Collection method: clinical testing. Allele origin: unknown.
Comment: This variant is considered likely pathogenic. mRNA analysis has demonstrated abnormal mRNA splicing occurs [PMID: 28339459, Myriad internal data].

Labcorp Genetics (formerly Invitae), Labcorp
Classification: Uncertain significance for Hereditary breast ovarian cancer syndrome. Last evaluated: 2023-06-02. Review status: criteria provided, single submitter. Criteria: Invitae Variant Classification Sherloc (09022015). Collection method: clinical testing. Allele origin: germline.
Comment: This sequence change replaces threonine, which is neutral and polar, with arginine, which is basic and polar, at codon 2662 of the BRCA2 protein (p.Thr2662Arg). Advanced modeling of protein sequence and biophysical properties (such as structural, functional, and spatial information, amino acid conservation, physicochemical variation, residue mobility, and thermodynamic stability) performed at Invitae indicates that this missense variant is not expected to disrupt BRCA2 protein function. In summary, the available evidence is currently insufficient to determine the role of this variant in disease. Therefore, it has been classified as a Variant of Uncertain Significance. Studies have shown that this missense change alters mRNA splicing and is expected to lead to the loss of protein expression (PMID: 28339459). This variant has not been reported in the literature in individuals affected with BRCA2-related conditions. This variant is not present in population databases (gnomAD no frequency).

Literature cited by the submitters: PubMed 28339459 (cited by Myriad Genetics, Inc. and Labcorp Genetics (formerly Invitae), Labcorp).

NM_000059.4(BRCA2):c.7985C>G (p.Thr2662Arg)

Gene: BRCA2 (BRCA2 DNA repair associated; plus strand). Cytogenetic location: 13q13.1.
Variant type: single nucleotide variant.
Coding change: c.7985C>G on transcript NM_000059.4 (MANE Select); coding-DNA position 7985, C replaced by G.
Protein change: p.Thr2662Arg; replaces threonine 2662 with arginine.
Molecular consequence: missense variant. On other transcripts: non-coding transcript variant (1).
Genome position (GRCh38, 1-based): chr13:32,363,187, C>G. VCF-style: chr13-32363187-C-G. GRCh37 (hg19) VCF-style: chr13-32937324-C-G.
Other names: c.7889C>G, p.Thr2630Arg (NM_001406719.1); c.7985C>G, p.Thr2662Arg (NM_001406720.1); c.3053C>G, p.Thr1018Arg (NM_001406721.1); c.1568C>G, p.Thr523Arg (NM_001406722.1); short protein forms T523R, T1018R, T2630R, T2662R.
Identifiers: ClinVar variation 2736008 (VCV002736008.4), dbSNP rs431825362, ClinGen allele CA387748541.